The following is an entry in ClinVar:

NM_001171.6(ABCC6):c.3363G>A (p.Ser1121=)

Gene: ABCC6 (ATP binding cassette subfamily C member 6; minus strand). Cytogenetic location: 16p13.11.
Variant type: single nucleotide variant.
Coding change: c.3363G>A on transcript NM_001171.6 (MANE Select); coding-DNA position 3363, G replaced by A.
Protein change: p.Ser1121=; no amino-acid change (serine 1121 retained).
Molecular consequence: synonymous variant.
Genome position (GRCh38, 1-based): chr16:16,163,136, C>T on the plus strand (G>A on the coding strand, the complement: ABCC6 is on the minus strand). VCF-style: chr16-16163136-C-T. GRCh37 (hg19) VCF-style: chr16-16256993-C-T.
Other names: c.3021G>A, p.Ser1007= (NM_001351800.1); c.3363G>A (NM_001171.5).
Identifiers: ClinVar variation 1550060 (VCV001550060.11), dbSNP rs145693403, ClinGen allele CA7925597.

ClinVar aggregate classification (germline): Likely benign. Review status: criteria provided, multiple submitters, no conflicts (2 of 4 stars). 4 submissions from 4 submitters: Likely benign (4). Last evaluated 2026-08-07.

Conditions:
Autosomal recessive inherited pseudoxanthoma elasticum (PXE). Identifiers: Orphanet 758, MedGen CN032334, MONDO:0009925, OMIM 264800.
Pseudoxanthoma elasticum, forme fruste. Also called: PSEUDOXANTHOMA ELASTICUM, HETEROZYGOUS; Pseudoxanthoma Elasticum, Incomplete. Identifiers: Orphanet 758, MedGen C1867450, MONDO:0008333, OMIM 177850.
Arterial calcification, generalized, of infancy, 2. Identifiers: Orphanet 51608, MedGen C3276161, MONDO:0013768, OMIM 614473.
ABCC6-related disorder. Also called: ABCC6-related condition.

Allele frequency attached by ClinVar (database versions not stated): TOPMed 0.00012; gnomAD 0.00013 and 0.00014; ESP Exome Variant Server 0.00015; 1000 Genomes Project 0.00040; 1000 Genomes Project 30x 0.00047.
gnomAD v4.1: 47 of 1,613,788 alleles (0.0029%); highest among the groups gnomAD compares: African/African-American, 0.041%; no homozygotes.

Submissions (4):

PreventionGenetics, part of Exact Sciences
Classification: Likely benign for ABCC6-related condition. Last evaluated: 2026-08-07. Review status: criteria provided, single submitter. Criteria: ACMG Guidelines, 2015. Collection method: clinical testing. Allele origin: germline.
Comment: This variant is classified as likely benign based on ACMG/AMP sequence variant interpretation guidelines (Richards et al. 2015 PMID: 25741868, with internal and published modifications).

Labcorp Genetics (formerly Invitae), Labcorp
Classification: Likely benign. Last evaluated: 2026-01-27. Review status: criteria provided, single submitter. Criteria: Invitae Variant Classification Sherloc (09022015). Collection method: clinical testing. Allele origin: germline.

Blueprint Genetics
Classification: Likely benign. Last evaluated: 2024-07-04. Review status: criteria provided, single submitter. Criteria: ACMG Guidelines, 2015. Collection method: clinical testing. Allele origin: germline.

Fulgent Genetics
Classification: Likely benign for Pseudoxanthoma elasticum, forme fruste; Autosomal recessive inherited pseudoxanthoma elasticum; Arterial calcification, generalized, of infancy, 2. Last evaluated: 2021-10-21. Review status: criteria provided, single submitter. Criteria: ACMG Guidelines, 2015. Collection method: clinical testing. Allele origin: unknown.